The following is an entry in ClinVar:

ClinVar aggregate classification (germline): Likely benign (1 of 4 stars; one submission).

Conditions:
TEFM-related condition.

gnomAD v4.1: 53 of 1,614,100 alleles (0.0033%); highest among the groups gnomAD compares: Admixed American, 0.025%; no homozygotes.

Submission:

PreventionGenetics, part of Exact Sciences
Classification: Likely benign for TEFM-related condition. Last evaluated: 2025-10-16. Review status: criteria provided, single submitter. Criteria: ACMG Guidelines, 2015. Collection method: clinical testing. Allele origin: germline.
Comment: This variant is classified as likely benign based on ACMG/AMP sequence variant interpretation guidelines (Richards et al. 2015 PMID: 25741868, with internal and published modifications).

NM_024683.4(TEFM):c.555T>C (p.Leu185=)

Gene: TEFM (transcription elongation factor, mitochondrial; minus strand). Cytogenetic location: 17q11.2.
Variant type: single nucleotide variant.
Coding change: c.555T>C on transcript NM_024683.4 (MANE Select); coding-DNA position 555, T replaced by C.
Protein change: p.Leu185=; no amino-acid change (leucine 185 retained).
Molecular consequence: synonymous variant.
Genome position (GRCh38, 1-based): chr17:30,900,503, A>G on the plus strand (T>C on the coding strand, the complement: TEFM is on the minus strand). VCF-style: chr17-30900503-A-G. GRCh37 (hg19) VCF-style: chr17-29227521-A-G.
Identifiers: ClinVar variation 4982984 (VCV004982984.1).